The following is an entry in ClinVar:

NM_014003.4(DHX38):c.1434A>G (p.Ile478Met)

Gene: DHX38 (DEAH-box helicase 38; plus strand). Cytogenetic location: 16q22.2.
Variant type: single nucleotide variant.
Coding change: c.1434A>G on transcript NM_014003.4 (MANE Select); coding-DNA position 1434, A replaced by G.
Protein change: p.Ile478Met; replaces isoleucine 478 with methionine.
Molecular consequence: missense variant.
Genome position (GRCh38, 1-based): chr16:72,101,547, A>G. VCF-style: chr16-72101547-A-G. GRCh37 (hg19) VCF-style: chr16-72135446-A-G.
Other names: short protein forms I478M.
Identifiers: ClinVar variation 4766913 (VCV004766913.1).

ClinVar aggregate classification (germline): Uncertain significance (1 of 4 stars; one submission).

gnomAD v4.1: 1 of 1,552,086 alleles (0.000064%); highest among the groups gnomAD compares: Non-Finnish European, 0.000087%; no homozygotes.

Submission:

Labcorp Genetics (formerly Invitae), Labcorp
Classification: Uncertain significance. Last evaluated: 2025-03-10. Review status: criteria provided, single submitter. Criteria: Invitae Variant Classification Sherloc (09022015). Collection method: clinical testing. Allele origin: germline.
Comment: This sequence change replaces isoleucine, which is neutral and non-polar, with methionine, which is neutral and non-polar, at codon 478 of the DHX38 protein (p.Ile478Met). This variant is not present in population databases (gnomAD no frequency). This variant has not been reported in the literature in individuals affected with DHX38-related conditions. Invitae Evidence Modeling of protein sequence and biophysical properties (such as structural, functional, and spatial information, amino acid conservation, physicochemical variation, residue mobility, and thermodynamic stability) indicates that this missense variant is not expected to disrupt DHX38 protein function with a negative predictive value of 80%. In summary, the available evidence is currently insufficient to determine the role of this variant in disease. Therefore, it has been classified as a Variant of Uncertain Significance.